The following is an entry in ClinVar:

ClinVar aggregate classification (germline): Likely pathogenic (1 of 4 stars; one submission).

Submission:

Labcorp Genetics (formerly Invitae), Labcorp
Classification: Likely pathogenic. Last evaluated: 2025-11-13. Review status: criteria provided, single submitter. Criteria: Invitae Variant Classification Sherloc (09022015). Collection method: clinical testing. Allele origin: germline.
Comment: This sequence change replaces threonine, which is neutral and polar, with alanine, which is neutral and non-polar, at codon 1486 of the SCN3A protein (p.Thr1486Ala). This variant is not present in population databases (gnomAD no frequency). This variant has not been reported in the literature in individuals affected with SCN3A-related conditions. Invitae Evidence Modeling of protein sequence and biophysical properties (such as structural, functional, and spatial information, amino acid conservation, physicochemical variation, residue mobility, and thermodynamic stability) indicates that this missense variant is expected to disrupt SCN3A protein function with a positive predictive value of 95%. This variant disrupts the p.Thr1486 amino acid residue in SCN3A. Other variant(s) that disrupt this residue have been determined to be pathogenic (PMID: 32515017). This suggests that this residue is clinically significant, and that variants that disrupt this residue are likely to be disease-causing. In summary, the currently available evidence indicates that the variant is pathogenic, but additional data are needed to prove that conclusively. Therefore, this variant has been classified as Likely Pathogenic.

Literature cited by the submitters: PubMed 32515017.

NM_006922.4(SCN3A):c.4456A>G (p.Thr1486Ala)

Gene: SCN3A (sodium voltage-gated channel alpha subunit 3; minus strand). Cytogenetic location: 2q24.3.
Variant type: single nucleotide variant.
Coding change: c.4456A>G on transcript NM_006922.4 (MANE Select); coding-DNA position 4456, A replaced by G.
Protein change: p.Thr1486Ala; replaces threonine 1486 with alanine.
Molecular consequence: missense variant.
Genome position (GRCh38, 1-based): chr2:165,094,454, T>C on the plus strand (A>G on the coding strand, the complement: SCN3A is on the minus strand). VCF-style: chr2-165094454-T-C. GRCh37 (hg19) VCF-style: chr2-165950964-T-C.
Other names: c.4309A>G, p.Thr1437Ala (NM_001081676.2, NM_001081677.2); short protein forms T1437A, T1486A.
Identifiers: ClinVar variation 4745724 (VCV004745724.1).